The following is an entry in ClinVar:

ClinVar aggregate classification (germline): Benign/Likely benign. Review status: criteria provided, multiple submitters, no conflicts (2 of 4 stars). 3 submissions from 3 submitters: Benign (1); Likely benign (2). Last evaluated 2023-04-11.

Conditions:
Dilated cardiomyopathy 1EE (CMD1EE). Identifiers: Orphanet 154, MedGen C2750466, MONDO:0013198, OMIM 613252.
Hypertrophic cardiomyopathy 1 (CMH1). Also called: MYH7-Related Familial Hypertrophic Cardiomyopathy; Familial hypertrophic cardiomyopathy 1. Identifiers: MedGen C3495498, MONDO:0008647, OMIM 192600.
Hypertrophic cardiomyopathy 14. Identifiers: MedGen C2750467, MONDO:0013197, OMIM 613251.
Sick sinus syndrome 3, susceptibility to (SSS3). Identifiers: Orphanet 166282, MedGen C3279791, MONDO:0013568, OMIM 614090.
Atrial septal defect 3 (ASD3). Identifiers: Orphanet 1478, MedGen C3279790, MONDO:0013567, OMIM 614089.

Submissions (3):

Women's Health and Genetics/Laboratory Corporation of America, LabCorp
Classification: Likely benign. Last evaluated: 2023-04-11. Review status: criteria provided, single submitter. Criteria: LabCorp Variant Classification Summary - May 2015. Collection method: clinical testing. Allele origin: germline.
Comment: Variant summary: MYH6 c.3979-11_3979-9delinsG alters a non-conserved nucleotide located close to a canonical splice site and therefore could affect mRNA splicing, leading to a significantly altered protein sequence. 4/4 computational tools predict no significant impact on normal splicing. However, these predictions have yet to be confirmed by functional studies. The variant was absent in 258974 control chromosomes. However, this variant is located in a region replete with numerous nucleotide changes of a benign/likely benign outcome suggesting that it is highly tolerant to variation. The available data on variant occurrences in the general population are insufficient to allow any conclusion about variant significance. To our knowledge, no occurrence of c.3979-11_3979-9delinsG in individuals affected with MYH6-related Cardiomyopathy and no experimental evidence demonstrating its impact on protein function have been reported. Two clinical diagnostic laboratories have submitted clinical-significance assessments for this variant to ClinVar after 2014 without evidence for independent evaluation. All laboratories classified the variant as benign/likely benign. Based on the evidence outlined above, the variant was classified as likely benign.

Fulgent Genetics
Classification: Likely benign for Hypertrophic cardiomyopathy 1; Hypertrophic cardiomyopathy 14; Dilated cardiomyopathy 1EE; Atrial septal defect 3; Sick sinus syndrome 3, susceptibility to. Last evaluated: 2021-07-08. Review status: criteria provided, single submitter. Criteria: ACMG Guidelines, 2015. Collection method: clinical testing. Allele origin: unknown.

GeneDx
Classification: Benign. Last evaluated: 2017-06-27. Review status: criteria provided, single submitter. Criteria: GeneDx Variant Classification Process June 2021. Collection method: clinical testing. Allele origin: germline. Affected: yes.

NM_002471.4(MYH6):c.3979-11_3979-9delinsG

Gene: MYH6 (myosin heavy chain 6; minus strand). Cytogenetic location: 14q11.2.
Variant type: Indel.
Coding change: c.3979-11_3979-9delinsG on transcript NM_002471.4 (MANE Select); 11 bases into the intron before coding-DNA position 3979 through 9 bases into the intron before coding-DNA position 3979, CCC replaced by G.
Molecular consequence: intron variant.
Genome position (GRCh38, 1-based): chr14:23,389,064-23,389,066, GGG replaced by C on the plus strand (CCC replaced by G on the coding strand, the reverse complement: MYH6 is on the minus strand). VCF-style: chr14-23389064-GGG-C. GRCh37 (hg19) VCF-style: chr14-23858273-GGG-C.
Other names: c.3979-11_3979-9delCCCinsG (NM_002471.3).
Identifiers: ClinVar variation 422762 (VCV000422762.5), dbSNP rs368229372, ClinGen allele CA16619845.